The following is an entry in ClinVar:

NM_006579.3(EBP):c.439C>T (p.Arg147Cys)

Gene: EBP (EBP cholestenol delta-isomerase; plus strand). Cytogenetic location: Xp11.23.
Variant type: single nucleotide variant.
Coding change: c.439C>T on transcript NM_006579.3 (MANE Select); coding-DNA position 439, C replaced by T.
Protein change: p.Arg147Cys; replaces arginine 147 with cysteine.
Molecular consequence: missense variant.
Genome position (GRCh38, 1-based): chrX:48,527,255, C>T. VCF-style: chrX-48527255-C-T. GRCh37 (hg19) VCF-style: chrX-48385643-C-T.
Other names: short protein forms R147C.
Identifiers: ClinVar variation 265110 (VCV000265110.7), dbSNP rs886039345, ClinGen allele CA10588787.

ClinVar aggregate classification (germline): Pathogenic/Likely pathogenic. Review status: criteria provided, multiple submitters, no conflicts (2 of 4 stars). 2 submissions from 2 submitters: Pathogenic (1); Likely pathogenic (1). Last evaluated 2022-02-05.

Conditions:
MEND syndrome (MEND). Also called: MALE EBP DISORDER WITH NEUROLOGIC DEFECTS. Identifiers: Orphanet 401973, MedGen C4085243, MONDO:0010498, OMIM 300960.

Submissions (2):

Dasa
Classification: Likely pathogenic for MEND syndrome. Last evaluated: 2022-02-05. Review status: criteria provided, single submitter. Criteria: ACMG Guidelines, 2015. Collection method: clinical testing. Allele origin: germline. Affected: yes. Observed: 1 variant allele.
Comment: The c.439C>T;p.(Arg147Cys) missense variant has been observed in affected individual(s) and ClinVar contains an entry for this variant (ClinVar ID: 265110) - PS4_supporting. The variant is located in a mutational hot spot and/or critical and well-established functional domain (EBP) - PM1. This variant is not present in population databases (rs886039345; gnomAD; ABraOM no frequency) - PM2. Pathogenic missense variant in this residue have been reported (ClinVar ID: 11492; c.440G>A;p.(Arg147His)) - PM5. Multiple lines of computational evidence support a deleterious effect on the gene or gene product - PP3. Patient’s phenotype is highly specific for a disease with a single genetic etiology - PP4. In summary, the currently available evidence indicates that the variant is likely pathogenic.

GeneDx
Classification: Pathogenic. Last evaluated: 2021-12-22. Review status: criteria provided, single submitter. Criteria: GeneDx Variant Classification Process June 2021. Collection method: clinical testing. Allele origin: germline. Affected: yes.
Comment: Not observed at significant frequency in large population cohorts (Lek et al., 2016); In silico analysis supports that this missense variant has a deleterious effect on protein structure/function; This variant is associated with the following publications: (PMID: 32386258, 26075358, 27276700, 28730607)